The following is an entry in ClinVar:

NM_007118.4(TRIO):c.7341G>A (p.Gly2447=)

Gene: TRIO (trio Rho guanine nucleotide exchange factor; plus strand). Cytogenetic location: 5p15.2.
Variant type: single nucleotide variant.
Coding change: c.7341G>A on transcript NM_007118.4 (MANE Select); coding-DNA position 7341, G replaced by A.
Protein change: p.Gly2447=; no amino-acid change (glycine 2447 retained).
Molecular consequence: synonymous variant.
Genome position (GRCh38, 1-based): chr5:14,487,969, G>A. VCF-style: chr5-14487969-G-A. GRCh37 (hg19) VCF-style: chr5-14488078-G-A.
Other names: c.7341G>A (NM_007118.3).
Identifiers: ClinVar variation 1176487 (VCV001176487.36), dbSNP rs966374267, ClinGen allele CA114003868.

ClinVar aggregate classification (germline): Likely benign. Review status: criteria provided, single submitter (1 of 4 stars). 2 submissions from 2 submitters: Likely benign (1). 1 of the submissions does not count toward it. Last evaluated 2024-07-01.

Conditions:
TRIO-related disorder. Also called: TRIO-related condition; TRIO-related disorders.

Allele frequency attached by ClinVar (database versions not stated): gnomAD exomes 0.00002 and 0.00008; gnomAD 0.00011; TOPMed 0.00011.
gnomAD v4.1: 139 of 1,552,130 alleles (0.009%); highest among the groups gnomAD compares: Non-Finnish European, 0.011%; no homozygotes.

Submissions (2):

CeGaT Center for Human Genetics Tuebingen
Classification: Likely benign. Last evaluated: 2024-07-01. Review status: criteria provided, single submitter. Criteria: CeGaT Center For Human Genetics Tuebingen Variant Classification Criteria Version 2. Collection method: clinical testing. Allele origin: germline. Affected: yes. Observed: 3 variant alleles.
Comment: TRIO: BP4, BP7

PreventionGenetics, part of Exact Sciences
Classification: Likely benign for TRIO-related condition. Last evaluated: 2019-04-29. Review status: no assertion criteria provided. Collection method: clinical testing. Allele origin: germline. Not counted in ClinVar's aggregate classification.
Comment: This variant is classified as likely benign based on ACMG/AMP sequence variant interpretation guidelines (Richards et al. 2015 PMID: 25741868, with internal and published modifications).